The following is an entry in ClinVar:

ClinVar aggregate classification (germline): Uncertain significance. Review status: criteria provided, multiple submitters, no conflicts (2 of 4 stars). 2 submissions from 2 submitters: Uncertain significance (2). Last evaluated 2026-03-24.

Conditions:
Hereditary cancer-predisposing syndrome. Also called: Hereditary Cancer Syndrome; Neoplastic Syndromes, Hereditary; Tumor predisposition; Hereditary neoplastic syndrome. Identifiers: Orphanet 140162, MedGen C0027672, MeSH D009386, MONDO:0015356.
Familial adenomatous polyposis 1 (FAP1). Also called: FAMILIAL ADENOMATOUS POLYPOSIS 1, ATTENUATED; POLYPOSIS, ADENOMATOUS INTESTINAL. Identifiers: MedGen C2713442, MONDO:0021056, OMIM 175100. Disease mechanism: loss of function.

Submissions (2):

Ambry Genetics
Classification: Uncertain significance for Hereditary cancer-predisposing syndrome. Last evaluated: 2026-03-24. Review status: criteria provided, single submitter. Criteria: Ambry Variant Classification Scheme 2023. Collection method: clinical testing. Allele origin: germline.
Comment: The p.H286N variant (also known as c.856C>A), located in coding exon 8 of the APC gene, results from a C to A substitution at nucleotide position 856. The histidine at codon 286 is replaced by asparagine, an amino acid with similar properties. This amino acid position is conserved. In addition, in silico predictors for this gene do not accurately predict pathogenicity. Based on the available evidence, the clinical significance of this variant remains unclear.

Labcorp Genetics (formerly Invitae), Labcorp
Classification: Uncertain significance for Familial adenomatous polyposis 1. Last evaluated: 2024-02-14. Review status: criteria provided, single submitter. Criteria: Invitae Variant Classification Sherloc (09022015). Collection method: clinical testing. Allele origin: germline.
Comment: This sequence change replaces histidine, which is basic and polar, with asparagine, which is neutral and polar, at codon 286 of the APC protein (p.His286Asn). This variant is not present in population databases (gnomAD no frequency). This variant has not been reported in the literature in individuals affected with APC-related conditions. ClinVar contains an entry for this variant (Variation ID: 964419). Advanced modeling of protein sequence and biophysical properties (such as structural, functional, and spatial information, amino acid conservation, physicochemical variation, residue mobility, and thermodynamic stability) performed at Invitae indicates that this missense variant is not expected to disrupt APC protein function with a negative predictive value of 95%. In summary, the available evidence is currently insufficient to determine the role of this variant in disease. Therefore, it has been classified as a Variant of Uncertain Significance.

NM_000038.6(APC):c.856C>A (p.His286Asn)

Gene: APC (APC regulator of Wnt signaling pathway; plus strand). Cytogenetic location: 5q22.2.
Variant type: single nucleotide variant.
Coding change: c.856C>A on transcript NM_000038.6 (MANE Select); coding-DNA position 856, C replaced by A.
Protein change: p.His286Asn; replaces histidine 286 with asparagine.
Molecular consequence: missense variant.
Genome position (GRCh38, 1-based): chr5:112,815,516, C>A. VCF-style: chr5-112815516-C-A. GRCh37 (hg19) VCF-style: chr5-112151213-C-A.
Other names: c.856C>A, p.His286Asn (NM_001127510.3, NM_001354895.2, NM_001354896.2 and 1 more transcripts); c.802C>A, p.His268Asn (NM_001127511.3); c.886C>A, p.His296Asn (NM_001354897.2, NM_001354902.2); c.781C>A, p.His261Asn (NM_001354898.2, NM_001354904.2); c.772C>A, p.His258Asn (NM_001354899.2); c.679C>A, p.His227Asn (NM_001354900.2, NM_001354901.2, NM_001354905.2); c.7C>A, p.His3Asn (NM_001354906.2); short protein forms H268N, H227N, H258N, H261N, H3N, H286N, H296N.
Identifiers: ClinVar variation 964419 (VCV000964419.12), dbSNP rs1762412291, ClinGen allele CA16023189.